The following is an entry in ClinVar:

NM_018180.3(DHX32):c.1228T>A (p.Ser410Thr)

Genes: BCCIP (BRCA2 and CDKN1A interacting protein; plus strand), DHX32 (DEAH-box helicase 32 (putative); minus strand). Cytogenetic location: 10q26.2.
Variant type: single nucleotide variant.
Coding change: c.1228T>A on transcript NM_018180.3 (MANE Select); coding-DNA position 1228, T replaced by A.
Protein change: p.Ser410Thr; replaces serine 410 with threonine.
Molecular consequence: missense variant. On other transcripts: intron variant (1).
Genome position (GRCh38, 1-based): chr10:125,852,416, A>T on the plus strand (T>A on the coding strand, the complement: DHX32 is on the minus strand). VCF-style: chr10-125852416-A-T. GRCh37 (hg19) VCF-style: chr10-127540985-A-T.
Other names: c.851-709A>T (NM_016567.4); short protein forms S410T.
Identifiers: ClinVar variation 2076754 (VCV002076754.3), dbSNP rs1254728355, ClinGen allele CA378675421.
Genomic context (GRCh38, chr10:125,852,416, plus strand): 5'-CCATGCTTGTTAGGTTGGCTTCCTGCATTTCTGCTGGCTTCAGTGGCGTCATGTCTTTGG[A>T]GGCAAATTCTTCAGTGTACAGGCAGAAAAATTTTCCTAAAAGACACCAAGAAAAATGGCT-3'
Protein context (NP_060650.2, residues 400-420): FFCLYTEEFA[Ser410Thr]KDMTPLKPAE

ClinVar aggregate classification (germline): Uncertain significance (1 of 4 stars; one submission).

Allele frequency attached by ClinVar (database versions not stated): TOPMed below 0.00001; gnomAD 0.00001; gnomAD exomes 0.00002.
gnomAD v4.1: 12 of 1,614,048 alleles (0.00074%); highest among the groups gnomAD compares: Admixed American, 0.017%; 1 homozygote.

Submission:

Labcorp Genetics (formerly Invitae), Labcorp
Classification: Uncertain significance. Last evaluated: 2025-09-02. Review status: criteria provided, single submitter. Criteria: Invitae Variant Classification Sherloc (09022015). Collection method: clinical testing. Allele origin: germline.
Comment: This sequence change replaces serine, which is neutral and polar, with threonine, which is neutral and polar, at codon 410 of the DHX32 protein (p.Ser410Thr). This variant is present in population databases (no rsID available, gnomAD 0.02%). This variant has not been reported in the literature in individuals affected with DHX32-related conditions. ClinVar contains an entry for this variant (Variation ID: 2076754). An algorithm developed to predict the effect of missense changes on protein structure and function outputs the following: PolyPhen-2: "Benign". The threonine amino acid residue is found in multiple mammalian species, which suggests that this missense change does not adversely affect protein function. In summary, the available evidence is currently insufficient to determine the role of this variant in disease. Therefore, it has been classified as a Variant of Uncertain Significance.